The following is an entry in ClinVar:

NM_015294.6(TRIM37):c.1770T>G (p.Tyr590Ter)

Gene: TRIM37 (tripartite motif containing 37; minus strand). Cytogenetic location: 17q22.
Variant type: single nucleotide variant.
Coding change: c.1770T>G on transcript NM_015294.6 (MANE Select); coding-DNA position 1770, T replaced by G.
Protein change: p.Tyr590Ter; replaces tyrosine 590 with a stop codon.
Molecular consequence: nonsense. On other transcripts: non-coding transcript variant (2).
Genome position (GRCh38, 1-based): chr17:59,032,074, A>C on the plus strand (T>G on the coding strand, the complement: TRIM37 is on the minus strand). VCF-style: chr17-59032074-A-C. GRCh37 (hg19) VCF-style: chr17-57109435-A-C.
Other names: c.1770T>G, p.Tyr590Ter (NM_001005207.5, NM_001320988.3, NM_001320989.3 and 1 more transcripts); c.1668T>G, p.Tyr556Ter (NM_001320987.3, NM_001353082.2); c.1404T>G, p.Tyr468Ter (NM_001320990.3); c.1035T>G, p.Tyr345Ter (NM_001353083.2); c.1308T>G, p.Tyr436Ter (NM_001353085.2); c.1719T>G, p.Tyr573Ter (NM_001353086.2); short protein forms Y468*, Y345*, Y436*, Y556*, Y573*, Y590*.
Identifiers: ClinVar variation 4720271 (VCV004720271.1).

ClinVar aggregate classification (germline): Pathogenic (1 of 4 stars; one submission).

Submission:

Labcorp Genetics (formerly Invitae), Labcorp
Classification: Pathogenic. Last evaluated: 2025-05-26. Review status: criteria provided, single submitter. Criteria: Invitae Variant Classification Sherloc (09022015). Collection method: clinical testing. Allele origin: germline.
Comment: This sequence change creates a premature translational stop signal (p.Tyr590*) in the TRIM37 gene. It is expected to result in an absent or disrupted protein product. Loss-of-function variants in TRIM37 are known to be pathogenic (PMID: 10888877, 15108285). This variant is not present in population databases (gnomAD no frequency). This variant has not been reported in the literature in individuals affected with TRIM37-related conditions. For these reasons, this variant has been classified as Pathogenic.

Literature cited by the submitters: PubMed 10888877; PubMed 15108285.